The following is an entry in ClinVar:

ClinVar aggregate classification (germline): Pathogenic/Likely pathogenic. Review status: criteria provided, multiple submitters, no conflicts (2 of 4 stars). 7 submissions from 7 submitters: Pathogenic (2); Likely pathogenic (2). 3 of the submissions do not count toward it. Last evaluated 2026-03-16.

Conditions:
Odonto-onycho-dermal dysplasia. Identifiers: Orphanet 2721, MedGen C0796093, MONDO:0009773, OMIM 257980.
Tooth agenesis, selective, 4 (STHAG4). Also called: LATERAL INCISORS, ABSENCE OF; LATERAL INCISORS, PEGGED OR MISSING; SUCCEDANEOUS TEETH, AGENESIS OF; TOOTH AGENESIS, SELECTIVE, 4, WITH OR WITHOUT ECTODERMAL DYSPLASIA. Identifiers: Orphanet 99798, MedGen C1835492, MONDO:0007881, OMIM 150400. Disease mechanism: loss of function.
Schöpf-Schulz-Passarge syndrome. Also called: SchC6pf-Schulz-Passarge syndrome; ECCRINE TUMORS WITH ECTODERMAL DYSPLASIA; KERATOSIS PALMOPLANTARIS WITH CYSTIC EYELIDS, HYPODONTIA, AND HYPOTRICHOSIS. Identifiers: Orphanet 50944, MedGen C1857069, MONDO:0009145, OMIM 224750.

Submissions (7):

GeneDx
Classification: Likely pathogenic. Last evaluated: 2026-03-16. Review status: criteria provided, single submitter. Criteria: GeneDx Variant Classification Process June 2021. Collection method: clinical testing. Allele origin: germline.
Comment: Frameshift variant predicted to result in abnormal protein length as the last 101 amino acid(s) are replaced with 120 different amino acid(s), and other similar variants have been reported in HGMD; Not observed at significant frequency in large population cohorts (gnomAD); This variant is associated with the following publications: (PMID: 30569517, 28976000)

Natera, Inc.
Classification: Pathogenic for Schopf-Schulz-Passarge syndrome. Last evaluated: 2025-05-05. Review status: criteria provided, single submitter. Criteria: Natera Variant Classification Schema (03/2026). Collection method: clinical testing. Allele origin: germline.
Comment: The c.949delG variant in WNT10A is a frameshift variant predicted to elongate the protein beyond the termination codon. This variant is expected to result in nonsense mediated decay, truncation, or a dysfunctional protein product. This variant is rare in the general population with a frequency below the threshold expected for the associated phenotype(s). This variant has been observed in one or more individuals affected with the associated recessive disease, as either homozygous or compound heterozygous with a second variant (PMID: 30569517, 28976000). Additionally, this variant has been observed to segregate in affected family members (PMID: 28976000). Given the available evidence, this variant is classified as Pathogenic.

Labcorp Genetics (formerly Invitae), Labcorp
Classification: Pathogenic for Tooth agenesis, selective, 4; Odonto-onycho-dermal dysplasia. Last evaluated: 2023-05-17. Review status: criteria provided, single submitter. Criteria: Invitae Variant Classification Sherloc (09022015). Collection method: clinical testing. Allele origin: germline.
Comment: This frameshift has been observed in individual(s) with autosomal recessive ectodermal dysplasia (PMID: 28976000, 30569517). This variant is not present in population databases (gnomAD no frequency). This sequence change results in a frameshift in the WNT10A gene (p.Ala317Hisfs*121). While this is not anticipated to result in nonsense mediated decay, it is expected to disrupt the last 101 amino acid(s) of the WNT10A protein and extend the protein by 19 additional amino acid residues. ClinVar contains an entry for this variant (Variation ID: 559394). For these reasons, this variant has been classified as Pathogenic. This variant disrupts a region of the WNT10A protein in which other variant(s) (p.Glu390*) have been determined to be pathogenic (PMID: 24902757). This suggests that this is a clinically significant region of the protein, and that variants that disrupt it are likely to be disease-causing.

Genome-Nilou Lab
Classification: Likely pathogenic for Odonto-onycho-dermal dysplasia. Last evaluated: 2021-07-22. Review status: criteria provided, single submitter. Criteria: ACMG Guidelines, 2015. Collection method: clinical testing. Allele origin: germline. Affected: no.

Human Molecular Lab, Hazara University
Classification: Pathogenic for Schöpf-Schulz-Passarge syndrome. Last evaluated: 2025-01-02. Review status: no assertion criteria provided. Collection method: research. Allele origin: inherited. Inheritance: Autosomal recessive inheritance. Affected: yes. Observed: 3 variant alleles, 3 homozygotes. Clinical features observed: Hyperhidrosis, Erythematous astrophic patches on the face, Alopecia totalis, Absent eyebrows, Absent eye lashes, Sparse eyebrows, Macrodontia. Not counted in ClinVar's aggregate classification.
Comment: WNT10A c.945delG:p.A317Hfs*121 (NM_025216.3) is a frameshift variant predicted to result in a premature termination codon 121 amino acids downstream of the alteration site, likely leading to nonsense-mediated mRNA decay or a truncated, non-functional protein product (PVS1). Loss-of-function is a well-established disease mechanism for WNT10A, associated with ectodermal dysplasia (Schopf-Schulz-Passarge syndrome). This variant has been identified in individuals with clinical features consistent with ectodermal dysplasia, including tooth agenesis, nail dysplasia, and sparse hair, which represents a phenotype highly specific for WNT10A-related conditions

OMIM
Classification: Pathogenic for ODONTOONYCHODERMAL DYSPLASIA. Last evaluated: 2020-06-23. Review status: no assertion criteria provided. Collection method: literature only. Allele origin: germline. Not counted in ClinVar's aggregate classification.

Department of Prosthodontics, Peking University School and Hospital of Stomatology
Classification: Pathogenic for Odontoonychodermal dysplasia. Last evaluated: 2018-06-04. Review status: no assertion criteria provided. Collection method: clinical testing. Allele origin: maternal. Affected: yes. Not counted in ClinVar's aggregate classification.

Literature cited by the submitters: PubMed 30569517 (cited by 3 submitters); PubMed 28976000 (cited by Natera, Inc. and Labcorp Genetics (formerly Invitae), Labcorp); PubMed 24902757 (cited by Labcorp Genetics (formerly Invitae), Labcorp).

NM_025216.3(WNT10A):c.949del (p.Ala317fs)

Gene: WNT10A (Wnt family member 10A; plus strand). Cytogenetic location: 2q35.
Variant type: Deletion.
Coding change: c.949del on transcript NM_025216.3 (MANE Select); coding-DNA position 949, one base deleted (G; older notation c.949delG).
Protein change: p.Ala317fs; shifts the reading frame from alanine 317.
Molecular consequence: frameshift variant.
Genome position (GRCh38, 1-based): chr2:218,892,966, G deleted; the last of 5 consecutive G bases (chr2:218,892,962-218,892,966); deleting any one gives the same sequence. VCF-style (leftmost placement, unchanged base first): chr2-218892961-CG-C. GRCh37 (hg19) VCF-style: chr2-219757683-CG-C.
Other names: (p.Ala317Hisfs*121); p.A317Hfs*121; c.945delG (NM_025216.3); c.949del (NM_025216.2); short protein forms A317fs.
Identifiers: ClinVar variation 559394 (VCV000559394.16), dbSNP rs775990266, ClinGen allele CA2114074.
Genomic context (GRCh38, chr2:218,892,961, plus strand): 5'-ACCGCGCCACGCTCATCCGGCCGCACAACCGCAACGGCGGCCAGCTGGAGCCGGGCCCAG[CG>C]GGGGCACCCTCGCCGGCTCCGGGCGCTCCCGGGCCGCGCCGACGGGCCAGCCCCGCCGAC-3'